The following is an entry in ClinVar:

NM_002109.6(HARS1):c.392T>G (p.Leu131Arg)

Gene: HARS1 (histidyl-tRNA synthetase 1; minus strand). Cytogenetic location: 5q31.3.
Variant type: single nucleotide variant.
Coding change: c.392T>G on transcript NM_002109.6 (MANE Select); coding-DNA position 392, T replaced by G.
Protein change: p.Leu131Arg; replaces leucine 131 with arginine.
Molecular consequence: missense variant. On other transcripts: intron variant (2).
Genome position (GRCh38, 1-based): chr5:140,679,792, A>C on the plus strand (T>G on the coding strand, the complement: HARS1 is on the minus strand). VCF-style: chr5-140679792-A-C. GRCh37 (hg19) VCF-style: chr5-140059377-A-C.
Other names: c.272T>G, p.Leu91Arg (NM_001258040.3, NM_001258042.3); c.392T>G, p.Leu131Arg (NM_001258041.3); c.305T>G, p.Leu102Arg (NM_001289094.2); c.181-1777T>G (NM_001289093.2); c.301-1777T>G (NM_001289092.2); short protein forms L102R, L91R, L131R.
Identifiers: ClinVar variation 2867137 (VCV002867137.3), dbSNP rs2481271395, ClinGen allele CA361257594.

ClinVar aggregate classification (germline): Uncertain significance (1 of 4 stars; one submission).

Conditions:
Usher syndrome type 3B. Also called: USHER SYNDROME, TYPE IIIB. Identifiers: MedGen C3281066, MONDO:0013788, OMIM 614504.

Submission:

Labcorp Genetics (formerly Invitae), Labcorp
Classification: Uncertain significance for Usher syndrome type 3B. Last evaluated: 2023-05-22. Review status: criteria provided, single submitter. Criteria: Invitae Variant Classification Sherloc (09022015). Collection method: clinical testing. Allele origin: germline.
Comment: This variant is not present in population databases (gnomAD no frequency). This sequence change replaces leucine, which is neutral and non-polar, with arginine, which is basic and polar, at codon 131 of the HARS protein (p.Leu131Arg). In summary, the available evidence is currently insufficient to determine the role of this variant in disease. Therefore, it has been classified as a Variant of Uncertain Significance. Advanced modeling of protein sequence and biophysical properties (such as structural, functional, and spatial information, amino acid conservation, physicochemical variation, residue mobility, and thermodynamic stability) performed at Invitae indicates that this missense variant is expected to disrupt HARS protein function. This variant has not been reported in the literature in individuals affected with HARS-related conditions.